The following is an entry in ClinVar:

NM_000785.4(CYP27B1):c.1121T>C (p.Val374Ala)

Gene: CYP27B1 (cytochrome P450 family 27 subfamily B member 1; minus strand). Cytogenetic location: 12q14.1.
Variant type: single nucleotide variant.
Coding change: c.1121T>C on transcript NM_000785.4 (MANE Select); coding-DNA position 1121, T replaced by C.
Protein change: p.Val374Ala; replaces valine 374 with alanine.
Molecular consequence: missense variant.
Genome position (GRCh38, 1-based): chr12:57,764,393, A>G on the plus strand (T>C on the coding strand, the complement: CYP27B1 is on the minus strand). VCF-style: chr12-57764393-A-G. GRCh37 (hg19) VCF-style: chr12-58158176-A-G.
Other names: short protein forms V374A.
Identifiers: ClinVar variation 2137382 (VCV002137382.3), dbSNP rs2229103, ClinGen allele CA6658217.

ClinVar aggregate classification (germline): Uncertain significance. Review status: criteria provided, multiple submitters, no conflicts (2 of 4 stars). 3 submissions from 3 submitters: Uncertain significance (3). Last evaluated 2026-05-15.

Conditions:
Vitamin D-dependent rickets, type 1A. Also called: VITAMIN D HYDROXYLATION-DEFICIENT RICKETS, TYPE 1A; PDDR IA; PSEUDOVITAMIN D-DEFICIENCY RICKETS, TYPE IA. Identifiers: MedGen CN283242, MONDO:0020723, OMIM 264700.

Allele frequency attached by ClinVar (database versions not stated): 1000 Genomes Project 30x 0.00016; gnomAD exomes below 0.00001; gnomAD 0.00004; ExAC 0.00001; 1000 Genomes Project 0.00020.
gnomAD v4.1: 12 of 1,613,928 alleles (0.00074%); highest among the groups gnomAD compares: Admixed American, 0.012%; no homozygotes.

Submissions (3):

Women's Health and Genetics/Laboratory Corporation of America, LabCorp
Classification: Uncertain significance. Last evaluated: 2026-05-15. Review status: criteria provided, single submitter. Criteria: LabCorp Variant Classification Summary - May 2015. Collection method: clinical testing. Allele origin: germline.
Comment: Variant summary: CYP27B1 c.1121T>C (p.Val374Ala) results in a non-conservative amino acid change in the encoded protein sequence. Algorithms developed to predict the effect of missense changes on protein structure and function are either unavailable or do not agree on the potential impact of this missense change. The variant allele was found at a frequency of 8e-06 in 251478 control chromosomes. The available data on variant occurrences in the general population are insufficient to allow any conclusion about variant significance. To our knowledge, no occurrence of c.1121T>C in individuals affected with CYP27B1-related conditions has been reported. At least one publication reports experimental evidence evaluating an impact on protein function in vitro. Specifically, using an RXR-VDR mammalian two-hybrid biological assay system, it was demonstrated that the variant led to reduced enzymatic activity compared to wild-type and, when treated with varying concentrations of 25D, a slight reduction in activity was also demonstrated with the variant compared to wild-type at all concentrations (Jacobs_2013). The following publication has been ascertained in the context of this evaluation (PMID: 23423976). ClinVar contains an entry for this variant (Variation ID: 2137382). Based on the evidence outlined above, the variant was classified as uncertain significance.

Fulgent Genetics
Classification: Uncertain significance for Vitamin D-dependent rickets, type 1A. Last evaluated: 2024-05-16. Review status: criteria provided, single submitter. Criteria: ACMG Guidelines, 2015. Collection method: clinical testing. Allele origin: germline.

Labcorp Genetics (formerly Invitae), Labcorp
Classification: Uncertain significance. Last evaluated: 2021-12-26. Review status: criteria provided, single submitter. Criteria: Invitae Variant Classification Sherloc (09022015). Collection method: clinical testing. Allele origin: germline.
Comment: This sequence change replaces valine, which is neutral and non-polar, with alanine, which is neutral and non-polar, at codon 374 of the CYP27B1 protein (p.Val374Ala). This variant is present in population databases (rs2229103, gnomAD 0.003%). This variant has not been reported in the literature in individuals affected with CYP27B1-related conditions. Algorithms developed to predict the effect of missense changes on protein structure and function (SIFT, PolyPhen-2, Align-GVGD) all suggest that this variant is likely to be disruptive. Experimental studies have shown that this missense change affects CYP27B1 function (PMID: 23423976). In summary, the available evidence is currently insufficient to determine the role of this variant in disease. Therefore, it has been classified as a Variant of Uncertain Significance.

Literature cited by the submitters: PubMed 23423976 (cited by Women's Health and Genetics/Laboratory Corporation of America, LabCorp and Labcorp Genetics (formerly Invitae), Labcorp).